The following is an entry in ClinVar:

NM_030957.4(ADAMTS10):c.2047G>A (p.Asp683Asn)

Gene: ADAMTS10 (ADAM metallopeptidase with thrombospondin type 1 motif 10; minus strand). Cytogenetic location: 19p13.2.
Variant type: single nucleotide variant.
Coding change: c.2047G>A on transcript NM_030957.4 (MANE Select); coding-DNA position 2047, G replaced by A.
Protein change: p.Asp683Asn; replaces aspartic acid 683 with asparagine.
Molecular consequence: missense variant.
Genome position (GRCh38, 1-based): chr19:8,589,353, C>T on the plus strand (G>A on the coding strand, the complement: ADAMTS10 is on the minus strand). VCF-style: chr19-8589353-C-T. GRCh37 (hg19) VCF-style: chr19-8654237-C-T.
Other names: c.508G>A, p.Asp170Asn (NM_001282352.2); short protein forms D683N, D170N.
Identifiers: ClinVar variation 1375565 (VCV001375565.3), dbSNP rs782184728, ClinGen allele CA9160240.

ClinVar aggregate classification (germline): Uncertain significance (1 of 4 stars; one submission).

Allele frequency attached by ClinVar (database versions not stated): ExAC 0.00001; gnomAD 0.00001; gnomAD exomes 0.00001 and 0.00002; TOPMed 0.00001.
gnomAD v4.1: 34 of 1,612,094 alleles (0.0021%); highest among the groups gnomAD compares: Non-Finnish European, 0.0027%; no homozygotes.

Submission:

Labcorp Genetics (formerly Invitae), Labcorp
Classification: Uncertain significance. Last evaluated: 2021-10-21. Review status: criteria provided, single submitter. Criteria: Invitae Variant Classification Sherloc (09022015). Collection method: clinical testing. Allele origin: germline.
Comment: This sequence change replaces aspartic acid with asparagine at codon 683 of the ADAMTS10 protein (p.Asp683Asn). The aspartic acid residue is highly conserved and there is a small physicochemical difference between aspartic acid and asparagine. This variant is present in population databases (rs782184728, ExAC 0.002%). This variant has not been reported in the literature in individuals affected with ADAMTS10-related conditions. Algorithms developed to predict the effect of missense changes on protein structure and function are either unavailable or do not agree on the potential impact of this missense change (SIFT: "Deleterious"; PolyPhen-2: "Possibly Damaging"; Align-GVGD: "Class C15"). In summary, the available evidence is currently insufficient to determine the role of this variant in disease. Therefore, it has been classified as a Variant of Uncertain Significance.